The following is an entry in ClinVar:

ClinVar aggregate classification (germline): Uncertain significance. Review status: criteria provided, multiple submitters, no conflicts (2 of 4 stars). 5 submissions from 5 submitters: Uncertain significance (4). 1 of the submissions does not count toward it. Last evaluated 2022-05-17.

Conditions:
Neuronal ceroid lipofuscinosis 7 (CLN7). Also called: MFSD8-Related Neuronal Ceroid-Lipofuscinosis. Identifiers: Orphanet 168491, Orphanet 228366, MedGen C1838571, MONDO:0012588, OMIM 610951.
Macular dystrophy with central cone involvement (CCMD). Identifiers: MedGen C4015371, MONDO:0014515, OMIM 616170.
Late-infantile neuronal ceroid lipofuscinosis. Also called: Jansky-Bielschowsky disease. Identifiers: MedGen C0022340, MONDO:0015674.
Inborn genetic diseases. Identifiers: MedGen C0950123, MeSH D030342.

Allele frequency attached by ClinVar (database versions not stated): gnomAD 0.00003; gnomAD exomes 0.00004 and 0.00008; TOPMed 0.00004; ExAC 0.00006.

Submissions (5):

Labcorp Genetics (formerly Invitae), Labcorp
Classification: Uncertain significance for Neuronal ceroid lipofuscinosis 7. Last evaluated: 2022-05-17. Review status: criteria provided, single submitter. Criteria: Invitae Variant Classification Sherloc (09022015). Collection method: clinical testing. Allele origin: germline.
Comment: This sequence change replaces asparagine, which is neutral and polar, with lysine, which is basic and polar, at codon 6 of the MFSD8 protein (p.Asn6Lys). This variant is present in population databases (rs771879274, gnomAD 0.1%). This variant has not been reported in the literature in individuals affected with MFSD8-related conditions. ClinVar contains an entry for this variant (Variation ID: 565428). Algorithms developed to predict the effect of missense changes on protein structure and function (SIFT, PolyPhen-2, Align-GVGD) all suggest that this variant is likely to be tolerated. In summary, the available evidence is currently insufficient to determine the role of this variant in disease. Therefore, it has been classified as a Variant of Uncertain Significance.

Ambry Genetics
Classification: Uncertain significance for Inborn genetic diseases. Last evaluated: 2021-12-21. Review status: criteria provided, single submitter. Criteria: Ambry Variant Classification Scheme 2023. Collection method: clinical testing. Allele origin: germline.

Department of Pathology and Laboratory Medicine, Sinai Health System
Classification: Uncertain significance for Neuronal ceroid lipofuscinosis 7; Macular dystrophy with central cone involvement. Last evaluated: 2021-07-30. Review status: criteria provided, single submitter. Criteria: ACMG Guidelines, 2015. Collection method: research. Allele origin: germline.

Genome-Nilou Lab
Classification: Uncertain significance for Neuronal ceroid lipofuscinosis 7. Last evaluated: 2021-05-18. Review status: criteria provided, single submitter. Criteria: ACMG Guidelines, 2015. Collection method: clinical testing. Allele origin: germline. Affected: no.

Natera, Inc.
Classification: Uncertain significance for Late-infantile neuronal ceroid lipofuscinosis. Last evaluated: 2019-10-28. Review status: no assertion criteria provided. Collection method: clinical testing. Allele origin: germline. Not counted in ClinVar's aggregate classification.

NM_001371596.2(MFSD8):c.18C>G (p.Asn6Lys)

Gene: MFSD8 (major facilitator superfamily domain containing 8; minus strand). Cytogenetic location: 4q28.2.
Variant type: single nucleotide variant.
Coding change: c.18C>G on transcript NM_001371596.2 (MANE Select); coding-DNA position 18, C replaced by G.
Protein change: p.Asn6Lys; replaces asparagine 6 with lysine.
Molecular consequence: missense variant. On other transcripts: 5 prime UTR variant (1), intron variant (2).
Genome position (GRCh38, 1-based): chr4:127,965,116, G>C on the plus strand (C>G on the coding strand, the complement: MFSD8 is on the minus strand). VCF-style: chr4-127965116-G-C. GRCh37 (hg19) VCF-style: chr4-128886271-G-C.
Other names: c.18C>G, p.Asn6Lys (NM_001363520.3, NM_001363521.3, NM_001371591.2 and 5 more transcripts); c.-116C>G (NM_001371595.1); c.-74+781C>G (NM_001410765.1, NM_001371590.2); short protein forms N6K.
Identifiers: ClinVar variation 565428 (VCV000565428.12), dbSNP rs771879274, ClinGen allele CA3077615.